The following is an entry in ClinVar:

NM_001377.3(DYNC2H1):c.11416C>T (p.Arg3806Cys)

Gene: DYNC2H1 (dynein cytoplasmic 2 heavy chain 1; plus strand). Cytogenetic location: 11q22.3.
Variant type: single nucleotide variant.
Coding change: c.11416C>T on transcript NM_001377.3 (MANE Select); coding-DNA position 11416, C replaced by T.
Protein change: p.Arg3806Cys; replaces arginine 3806 with cysteine.
Molecular consequence: missense variant.
Genome position (GRCh38, 1-based): chr11:103,307,754, C>T. VCF-style: chr11-103307754-C-T. GRCh37 (hg19) VCF-style: chr11-103178483-C-T.
Other names: c.11437C>T, p.Arg3813Cys (NM_001080463.2); short protein forms R3813C, R3806C.
Identifiers: ClinVar variation 880089 (VCV000880089.6), dbSNP rs754753584, ClinGen allele CA6255271.

ClinVar aggregate classification (germline): Uncertain significance. Review status: criteria provided, multiple submitters, no conflicts (2 of 4 stars). 3 submissions from 3 submitters: Uncertain significance (3). Last evaluated 2024-08-12.

Conditions:
Asphyxiating thoracic dystrophy 3. Also called: Saldino-Noonan Syndrome; Short rib polydactyly syndrome 2B; SHORT-RIB THORACIC DYSPLASIA 3 WITH OR WITHOUT POLYDACTYLY; POLYDACTYLY WITH NEONATAL CHONDRODYSTROPHY, TYPE I; SHORT-RIB THORACIC DYSPLASIA 3/6 WITH POLYDACTYLY, DIGENIC. Identifiers: Orphanet 474, Orphanet 93269, Orphanet 93270, Orphanet 93271, MedGen C0036069, MONDO:0013127, OMIM 613091.

Allele frequency attached by ClinVar (database versions not stated): gnomAD 0.00001; TOPMed below 0.00001.
gnomAD v4.1: 17 of 1,603,848 alleles (0.0011%); highest among the groups gnomAD compares: South Asian, 0.0034%; no homozygotes.

Submissions (3):

Women's Health and Genetics/Laboratory Corporation of America, LabCorp
Classification: Uncertain significance. Last evaluated: 2024-08-12. Review status: criteria provided, single submitter. Criteria: LabCorp Variant Classification Summary - May 2015. Collection method: clinical testing. Allele origin: germline.
Comment: Variant summary: DYNC2H1 c.11437C>T (p.Arg3813Cys) results in a non-conservative amino acid change located in the Dynein heavy chain region D6 P-loop domain (IPR004273) of the encoded protein sequence. Four of five in-silico tools predict a damaging effect of the variant on protein function. The variant allele was found at a frequency of 1.7e-05 in 237974 control chromosomes. The available data on variant occurrences in the general population are insufficient to allow any conclusion about variant significance. c.11437C>T has been reported in the literature together with a multiple exon deletion and a common missense variant in an individuals affected with Short-rib thoracic dysplasia; however, the phase of these variants are not specified (Schmidts_2013). These report(s) do not provide unequivocal conclusions about association of the variant with Short-rib thoracic dysplasia. To our knowledge, no experimental evidence demonstrating an impact on protein function has been reported. The following publication have been ascertained in the context of this evaluation (PMID: 23456818). ClinVar contains an entry for this variant (Variation ID: 880089). Based on the evidence outlined above, the variant was classified as uncertain significance.

Illumina Laboratory Services, Illumina
Classification: Uncertain significance for Asphyxiating thoracic dystrophy 3. Last evaluated: 2017-08-15. Review status: criteria provided, single submitter. Criteria: ICSL Variant Classification Criteria 13 December 2019. Collection method: clinical testing. Allele origin: germline.
Comment: This variant was observed as part of a predisposition screen in an ostensibly healthy population. A literature search was performed for the gene, cDNA change, and amino acid change (where applicable). Publications were found based on this search. However, the evidence from the literature, in combination with allele frequency data from public databases where available, was not sufficient to rule this variant in or out of causing disease. Therefore, this variant is classified as a variant of unknown significance.

Juno Genomics, Hangzhou Juno Genomics, Inc
Classification: Uncertain significance for Asphyxiating thoracic dystrophy 3. Review status: criteria provided, single submitter. Criteria: ACMG Guidelines, 2015. Collection method: clinical testing. Allele origin: germline. Affected: yes.
Comment: Absent from controls (or at extremely low frequency if recessive) in Genome Aggregation Database.;Multiple lines of computational evidence support a deleterious effect on the gene or gene product.;For recessive disorders, detected in trans with a pathogenic variant.;Patient's phenotype or family history is highly specific for a disease with a single genetic etiology.

Literature cited by the submitters: PubMed 23456818 (cited by Women's Health and Genetics/Laboratory Corporation of America, LabCorp and Illumina Laboratory Services, Illumina).